The following is an entry in ClinVar:

NM_004628.5(XPC):c.749A>G (p.Asp250Gly)

Gene: XPC (XPC complex subunit, DNA damage recognition and repair factor; minus strand). Cytogenetic location: 3p25.1.
Variant type: single nucleotide variant.
Coding change: c.749A>G on transcript NM_004628.5 (MANE Select); coding-DNA position 749, A replaced by G.
Protein change: p.Asp250Gly; replaces aspartic acid 250 with glycine.
Molecular consequence: missense variant. On other transcripts: non-coding transcript variant (2).
Genome position (GRCh38, 1-based): chr3:14,165,458, T>C on the plus strand (A>G on the coding strand, the complement: XPC is on the minus strand). VCF-style: chr3-14165458-T-C. GRCh37 (hg19) VCF-style: chr3-14206958-T-C.
Other names: c.170A>G, p.Asp57Gly (NM_001354726.2); c.749A>G, p.Asp250Gly (NM_001354727.2, NM_001354730.2); c.731A>G, p.Asp244Gly (NM_001354729.2); short protein forms D244G, D250G, D57G.
Identifiers: ClinVar variation 1685476 (VCV001685476.3), dbSNP rs201247727, ClinGen allele CA2267610.
Genomic context (GRCh38, chr3:14,165,458, plus strand): 5'-CAGCTCTGCAGGACAAGCGGAGGGCCTTACCACTTCACCAGGTTTGAGAGGTAGTAGGTG[T>C]CCACATCTCGAGGCAGCACTCTGGTAAAGCGGGCTGGGATGATGGACAGGCCAATAGCAT-3'
Protein context (NP_004619.3, residues 240-260): RFTRVLPRDV[Asp250Gly]TYYLSNLVKW

ClinVar aggregate classification (germline): Uncertain significance. Review status: criteria provided, multiple submitters, no conflicts (2 of 4 stars). 2 submissions from 2 submitters: Uncertain significance (2). Last evaluated 2025-05-27.

Conditions:
Xeroderma pigmentosum, group C (XPC). Also called: Xeroderma pigmentosum, complementation group C; XERODERMA PIGMENTOSUM III; XP, GROUP C; XPC-Related Xeroderma Pigmentosum. Identifiers: Orphanet 910, MedGen C2752147, MONDO:0010211, OMIM 278720.
Xeroderma pigmentosum (XP). Identifiers: Orphanet 910, MedGen C0043346, MONDO:0019600.

Allele frequency attached by ClinVar (database versions not stated): gnomAD exomes 0.00004; ExAC 0.00007; ESP Exome Variant Server 0.00032; gnomAD 0.00034 and 0.00040; TOPMed 0.00038.
gnomAD v4.1: 86 of 1,600,230 alleles (0.0054%); highest among the groups gnomAD compares: African/African-American, 0.11%; no homozygotes.

Submissions (2):

Mendelics
Classification: Uncertain significance for Xeroderma pigmentosum, group C. Last evaluated: 2025-05-27. Review status: criteria provided, single submitter. Criteria: Mendelics Assertion Criteria 2019. Collection method: clinical testing. Allele origin: germline.
Comment: The available evidence is insufficient to conclusively determine the role of this variant. Therefore, it is classified as a Variant of Uncertain Significance.

Sema4
Classification: Uncertain significance for Xeroderma pigmentosum. Last evaluated: 2021-05-18. Review status: criteria provided, single submitter. Criteria: Sema4 Curation Guidelines. Collection method: curation. Allele origin: germline.
Comment: The XPC, c.749A>G (p.D250G) variant has not been reported in the literature to our knowledge. This variant was observed in 16/22054 chromosomes in the African population, with no homozygotes, according to the Genome Aggregation Database (PMID: 32461654). This variant involves a moderately conserved amino acid, and computational analyses suggest that the variant does not impact the function of protein, though these predictions have not been confirmed by published functional studies. The variant has not been reported in ClinVar. The overall evidence is insufficient to meet ACMG/AMP criteria for classifying it as benign or pathogenic. In summary, the clinical significance of this variant is currently uncertain.